The following is an entry in ClinVar:

NM_002519.3(NPAT):c.3796C>T (p.Pro1266Ser)

Gene: NPAT (nuclear protein, coactivator of histone transcription; minus strand). Cytogenetic location: 11q22.3.
Variant type: single nucleotide variant.
Coding change: c.3796C>T on transcript NM_002519.3 (MANE Select); coding-DNA position 3796, C replaced by T.
Protein change: p.Pro1266Ser; replaces proline 1266 with serine.
Molecular consequence: missense variant.
Genome position (GRCh38, 1-based): chr11:108,161,290, G>A on the plus strand (C>T on the coding strand, the complement: NPAT is on the minus strand). VCF-style: chr11-108161290-G-A. GRCh37 (hg19) VCF-style: chr11-108032017-G-A.
Other names: c.3817C>T, p.Pro1273Ser (NM_001321307.1); short protein forms P1266S, P1273S.
Identifiers: ClinVar variation 3300638 (VCV003300638.1).

ClinVar aggregate classification (germline): Uncertain significance (1 of 4 stars; one submission).

Submission:

Ambry Genetics
Classification: Uncertain significance. Last evaluated: 2024-05-19. Review status: criteria provided, single submitter. Criteria: Ambry Variant Classification Scheme 2023. Collection method: clinical testing. Allele origin: germline.
Comment: The p.P1266S variant (also known as c.3796C>T), located in coding exon 17 of the NPAT gene, results from a C to T substitution at nucleotide position 3796. The proline at codon 1266 is replaced by serine, an amino acid with similar properties. This amino acid position is conserved. In addition, this alteration is predicted to be tolerated by in silico analysis. Based on the available evidence, the clinical significance of this variant remains unclear.